The following is an entry in ClinVar:

NM_003235.5(TG):c.475C>T (p.Arg159Ter)

Gene: TG (thyroglobulin; plus strand). Cytogenetic location: 8q24.22.
Variant type: single nucleotide variant.
Coding change: c.475C>T on transcript NM_003235.5 (MANE Select); coding-DNA position 475, C replaced by T.
Protein change: p.Arg159Ter; replaces arginine 159 with a stop codon.
Molecular consequence: nonsense.
Genome position (GRCh38, 1-based): chr8:132,871,548, C>T. VCF-style: chr8-132871548-C-T. GRCh37 (hg19) VCF-style: chr8-133883793-C-T.
Other names: short protein forms R159*.
Identifiers: ClinVar variation 1028100 (VCV001028100.29), dbSNP rs759267330, ClinGen allele CA4882908.

ClinVar aggregate classification (germline): Pathogenic/Likely pathogenic. Review status: criteria provided, multiple submitters, no conflicts (2 of 4 stars). 5 submissions from 5 submitters: Pathogenic (4); Likely pathogenic (1). Last evaluated 2024-11-14.

Conditions:
Congenital hypothyroidism. Identifiers: Orphanet 442, MedGen C0010308, MONDO:0018612, HP:0000851.
Iodotyrosyl coupling defect (TDH3). Also called: HYPOTHYROIDISM, CONGENITAL, DUE TO DYSHORMONOGENESIS, 3; THYROID HORMONOGENESIS, GENETIC DEFECT IN, 3. Identifiers: Orphanet 95716, MedGen C0342194, MONDO:0010135, OMIM 274700.

Allele frequency attached by ClinVar (database versions not stated): ExAC 0.00004; gnomAD exomes 0.00004.
gnomAD v4.1: 29 of 1,613,254 alleles (0.0018%); highest among the groups gnomAD compares: South Asian, 0.012%; no homozygotes.

Submissions (5):

Cambridge Genomics Laboratory, East Genomic Laboratory Hub, NHS Genomic Medicine Service
Classification: Pathogenic for Congenital hypothyroidism. Last evaluated: 2024-11-14. Review status: criteria provided, single submitter. Criteria: ACGS Best Practice Guidelines for Variant Classification in Rare Disease 2020. Collection method: clinical testing. Allele origin: germline. Affected: yes.
Comment: PVS1,PM2

Labcorp Genetics (formerly Invitae), Labcorp
Classification: Pathogenic. Last evaluated: 2023-12-21. Review status: criteria provided, single submitter. Criteria: Invitae Variant Classification Sherloc (09022015). Collection method: clinical testing. Allele origin: germline.
Comment: This sequence change creates a premature translational stop signal (p.Arg159*) in the TG gene. It is expected to result in an absent or disrupted protein product. Loss-of-function variants in TG are known to be pathogenic (PMID: 19837936, 23164529). This variant is present in population databases (rs759267330, gnomAD 0.02%). This premature translational stop signal has been observed in individual(s) with congenital hypothyroidism (PMID: 27525530). ClinVar contains an entry for this variant (Variation ID: 1028100). For these reasons, this variant has been classified as Pathogenic.

Greenwood Genetic Center Diagnostic Laboratories, Greenwood Genetic Center
Classification: Pathogenic for Iodotyrosyl coupling defect. Last evaluated: 2023-07-07. Review status: criteria provided, single submitter. Criteria: ACMG Guidelines, 2015. Collection method: clinical testing. Allele origin: germline. Affected: yes.
Comment: PVS1, PM2, PM3_Supporting

CeGaT Center for Human Genetics Tuebingen
Classification: Likely pathogenic. Last evaluated: 2023-06-01. Review status: criteria provided, single submitter. Criteria: CeGaT Center For Human Genetics Tuebingen Variant Classification Criteria Version 2. Collection method: clinical testing. Allele origin: germline. Affected: yes. Observed: 1 variant allele.
Comment: TG: PVS1

Baylor Genetics
Classification: Pathogenic for Iodotyrosyl coupling defect. Last evaluated: 2020-01-02. Review status: criteria provided, single submitter. Criteria: ACMG Guidelines, 2015. Collection method: clinical testing. Allele origin: unknown. Affected: yes.
Comment: This variant was determined to be pathogenic according to ACMG Guidelines, 2015 [PMID:25741868].

Literature cited by the submitters: PubMed 19837936 (cited by Labcorp Genetics (formerly Invitae), Labcorp); PubMed 23164529 (cited by Labcorp Genetics (formerly Invitae), Labcorp); PubMed 27525530 (cited by Labcorp Genetics (formerly Invitae), Labcorp).